The following is an entry in ClinVar:

ClinVar aggregate classification (germline): Likely pathogenic (1 of 4 stars; one submission).

Conditions:
Retinitis pigmentosa 40 (RP40). Identifiers: Orphanet 791, MedGen C3151107, MONDO:0013429, OMIM 613801.

Submission:

First Genomix Gene Laboratory, Genetic Diagnostics Department
Classification: Likely pathogenic for Retinitis pigmentosa 40. Last evaluated: 2025-01-13. Review status: criteria provided, single submitter. Criteria: ACMG Guidelines, 2015. Collection method: clinical testing. Allele origin: germline. Inheritance: Autosomal recessive inheritance. Affected: no. Observed: 1 variant allele.

NM_000283.4(PDE6B):c.1920+1G>T

Gene: PDE6B (phosphodiesterase 6B; plus strand). Cytogenetic location: 4p16.3.
Variant type: single nucleotide variant.
Coding change: c.1920+1G>T on transcript NM_000283.4 (MANE Select); the canonical splice donor site of the intron after coding-DNA position 1920, G replaced by T.
Molecular consequence: splice donor variant.
Genome position (GRCh38, 1-based): chr4:663,188, G>T. VCF-style: chr4-663188-G-T. GRCh37 (hg19) VCF-style: chr4-656977-G-T.
Other names: c.1920+1G>T (NM_001145291.2, NM_001440547.1, NM_001440548.1); c.1083+1G>T (NM_001379246.1, NM_001379247.1, NM_001145292.2 and 1 more transcripts); c.765+1G>T (NM_001350155.3).
Identifiers: ClinVar variation 4845679 (VCV004845679.1).